The following is an entry in ClinVar:

NM_000843.4(GRM6):c.1733G>T (p.Arg578Leu)

Genes: GRM6 (glutamate metabotropic receptor 6; minus strand), ZNF454 (zinc finger protein 454; plus strand). Cytogenetic location: 5q35.3.
Variant type: single nucleotide variant.
Coding change: c.1733G>T on transcript NM_000843.4 (MANE Select); coding-DNA position 1733, G replaced by T.
Protein change: p.Arg578Leu; replaces arginine 578 with leucine.
Molecular consequence: missense variant.
Genome position (GRCh38, 1-based): chr5:178,986,521, C>A on the plus strand (G>T on the coding strand, the complement: GRM6 is on the minus strand). VCF-style: chr5-178986521-C-A. GRCh37 (hg19) VCF-style: chr5-178413522-C-A.
Other names: short protein forms R578L.
Identifiers: ClinVar variation 1468233 (VCV001468233.4), dbSNP rs369887161, ClinGen allele CA3593950.

ClinVar aggregate classification (germline): Uncertain significance (1 of 4 stars; one submission).

gnomAD v4.1: 5 of 1,608,550 alleles (0.00031%); highest among the groups gnomAD compares: Admixed American, 0.005%; no homozygotes.

Submission:

Labcorp Genetics (formerly Invitae), Labcorp
Classification: Uncertain significance. Last evaluated: 2021-12-07. Review status: criteria provided, single submitter. Criteria: Invitae Variant Classification Sherloc (09022015). Collection method: clinical testing. Allele origin: germline.
Comment: In summary, the available evidence is currently insufficient to determine the role of this variant in disease. Therefore, it has been classified as a Variant of Uncertain Significance. Advanced modeling of protein sequence and biophysical properties (such as structural, functional, and spatial information, amino acid conservation, physicochemical variation, residue mobility, and thermodynamic stability) performed at Invitae indicates that this missense variant is not expected to disrupt GRM6 protein function. This variant has not been reported in the literature in individuals affected with GRM6-related conditions. This variant is present in population databases (rs369887161, gnomAD 0.009%). This sequence change replaces arginine, which is basic and polar, with leucine, which is neutral and non-polar, at codon 578 of the GRM6 protein (p.Arg578Leu).